The following is an entry in ClinVar:

ClinVar aggregate classification (germline): Uncertain significance (1 of 4 stars; one submission).

Submission:

Labcorp Genetics (formerly Invitae), Labcorp
Classification: Uncertain significance. Last evaluated: 2022-08-08. Review status: criteria provided, single submitter. Criteria: Invitae Variant Classification Sherloc (09022015). Collection method: clinical testing. Allele origin: germline.
Comment: This sequence change replaces arginine, which is basic and polar, with glutamine, which is neutral and polar, at codon 30 of the PROSC protein (p.Arg30Gln). This variant is not present in population databases (gnomAD no frequency). This variant has not been reported in the literature in individuals affected with PROSC-related conditions. Algorithms developed to predict the effect of missense changes on protein structure and function (SIFT, PolyPhen-2, Align-GVGD) all suggest that this variant is likely to be tolerated. In summary, the available evidence is currently insufficient to determine the role of this variant in disease. Therefore, it has been classified as a Variant of Uncertain Significance.

NM_007198.4(PLPBP):c.89G>A (p.Arg30Gln)

Genes: PLPBP (pyridoxal phosphate binding protein; plus strand), LOC113788277 (Sharpr-MPRA regulatory region 13802; plus strand). Cytogenetic location: 8p11.23.
Variant type: single nucleotide variant.
Coding change: c.89G>A on transcript NM_007198.4 (MANE Select); coding-DNA position 89, G replaced by A.
Protein change: p.Arg30Gln; replaces arginine 30 with glutamine.
Molecular consequence: missense variant. On other transcripts: intron variant (1).
Genome position (GRCh38, 1-based): chr8:37,762,748, G>A. VCF-style: chr8-37762748-G-A. GRCh37 (hg19) VCF-style: chr8-37620266-G-A.
Other names: c.89G>A, p.Arg30Gln (NM_001349346.2, NM_001349347.2); c.194G>A, p.Arg65Gln (NM_001349349.1); c.-58+48G>A (NM_001349348.2); short protein forms R30Q, R65Q.
Identifiers: ClinVar variation 1953206 (VCV001953206.2), dbSNP rs2487360286, ClinGen allele CA370665936.